The following is an entry in ClinVar:

ClinVar aggregate classification (germline): Uncertain significance (1 of 4 stars; one submission).

Conditions:
Cardiovascular phenotype. Identifiers: MedGen CN230736.

Submission:

Ambry Genetics
Classification: Uncertain significance for Cardiovascular phenotype. Last evaluated: 2025-09-19. Review status: criteria provided, single submitter. Criteria: Ambry Variant Classification Scheme 2023. Collection method: clinical testing. Allele origin: germline.
Comment: The c.583+3A>T intronic variant results from an A to T substitution 3 nucleotides after coding exon 3 in the TTN gene. This nucleotide position is well conserved in available vertebrate species. In silico splice site analysis predicts that this alteration will not have any significant effect on splicing. Based on the available evidence, the clinical significance of this variant remains unclear.

NM_001267550.2(TTN):c.583+3A>T

Gene: TTN (titin; minus strand). Cytogenetic location: 2q31.2.
Variant type: single nucleotide variant.
Coding change: c.583+3A>T on transcript NM_001267550.2 (MANE Select); 3 bases into the intron after coding-DNA position 583, A replaced by T.
Molecular consequence: intron variant.
Genome position (GRCh38, 1-based): chr2:178,800,392, T>A on the plus strand (A>T on the coding strand, the complement: TTN is on the minus strand). VCF-style: chr2-178800392-T-A. GRCh37 (hg19) VCF-style: chr2-179665119-T-A.
Other names: c.583+3A>T (NM_003319.4, NM_133437.4, NM_133432.3 and 3 more transcripts).
Identifiers: ClinVar variation 4615297 (VCV004615297.1).